The following is an entry in ClinVar:

ClinVar aggregate classification (germline): Uncertain significance (1 of 4 stars; one submission).

Submission:

GeneDx
Classification: Uncertain significance. Last evaluated: 2022-11-02. Review status: criteria provided, single submitter. Criteria: GeneDx Variant Classification Process June 2021. Collection method: clinical testing. Allele origin: germline. Affected: yes.
Comment: Not observed at significant frequency in large population cohorts (gnomAD); In silico analysis supports that this missense variant does not alter protein structure/function; Has not been previously published as pathogenic or benign to our knowledge

NM_024753.5(TTC21B):c.3565A>C (p.Asn1189His)

Gene: TTC21B (tetratricopeptide repeat domain 21B; minus strand). Cytogenetic location: 2q24.3.
Variant type: single nucleotide variant.
Coding change: c.3565A>C on transcript NM_024753.5 (MANE Select); coding-DNA position 3565, A replaced by C.
Protein change: p.Asn1189His; replaces asparagine 1189 with histidine.
Molecular consequence: missense variant.
Genome position (GRCh38, 1-based): chr2:165,883,913, T>G on the plus strand (A>C on the coding strand, the complement: TTC21B is on the minus strand). VCF-style: chr2-165883913-T-G. GRCh37 (hg19) VCF-style: chr2-166740423-T-G.
Other names: short protein forms N1189H.
Identifiers: ClinVar variation 2501458 (VCV002501458.1), dbSNP rs1574064675, ClinGen allele CA349046938.